The following is an entry in ClinVar:

ClinVar aggregate classification (germline): Uncertain significance. Review status: criteria provided, multiple submitters, no conflicts (2 of 4 stars). 2 submissions from 2 submitters: Uncertain significance (2). Last evaluated 2023-11-09.

Conditions:
Hereditary cancer-predisposing syndrome. Also called: Tumor predisposition; Hereditary Cancer Syndrome; Hereditary neoplastic syndrome; Neoplastic Syndromes, Hereditary. Identifiers: Orphanet 140162, MedGen C0027672, MeSH D009386, MONDO:0015356.
Familial cancer of breast. Also called: BREAST CANCER, FAMILIAL; Hereditary breast cancer; hereditary breast carcinoma. Identifiers: Orphanet 227535, MedGen C0346153, MONDO:0016419, OMIM 114480. Disease mechanism: loss of function.

Submissions (2):

Ambry Genetics
Classification: Uncertain significance for Hereditary cancer-predisposing syndrome. Last evaluated: 2023-11-09. Review status: criteria provided, single submitter. Criteria: Ambry Variant Classification Scheme 2023. Collection method: clinical testing. Allele origin: germline.
Comment: The p.Q216K variant (also known as c.646C>A), located in coding exon 4 of the BARD1 gene, results from a C to A substitution at nucleotide position 646. The glutamine at codon 216 is replaced by lysine, an amino acid with similar properties. This amino acid position is conserved. In addition, this alteration is predicted to be tolerated by in silico analysis. Since supporting evidence is limited at this time, the clinical significance of this alteration remains unclear.

Labcorp Genetics (formerly Invitae), Labcorp
Classification: Uncertain significance for Familial cancer of breast. Last evaluated: 2022-08-16. Review status: criteria provided, single submitter. Criteria: Invitae Variant Classification Sherloc (09022015). Collection method: clinical testing. Allele origin: germline.
Comment: Algorithms developed to predict the effect of missense changes on protein structure and function output the following: SIFT: "Tolerated"; PolyPhen-2: "Benign"; Align-GVGD: "Class C0". The lysine amino acid residue is found in multiple mammalian species, which suggests that this missense change does not adversely affect protein function. In summary, the available evidence is currently insufficient to determine the role of this variant in disease. Therefore, it has been classified as a Variant of Uncertain Significance. This variant has not been reported in the literature in individuals affected with BARD1-related conditions. This variant is not present in population databases (gnomAD no frequency). This sequence change replaces glutamine, which is neutral and polar, with lysine, which is basic and polar, at codon 216 of the BARD1 protein (p.Gln216Lys).

NM_000465.4(BARD1):c.646C>A (p.Gln216Lys)

Gene: BARD1 (BRCA1 associated RING domain 1; minus strand). Cytogenetic location: 2q35.
Variant type: single nucleotide variant.
Coding change: c.646C>A on transcript NM_000465.4 (MANE Select); coding-DNA position 646, C replaced by A.
Protein change: p.Gln216Lys; replaces glutamine 216 with lysine.
Molecular consequence: missense variant. On other transcripts: non-coding transcript variant (2), intron variant (3).
Genome position (GRCh38, 1-based): chr2:214,781,228, G>T on the plus strand (C>A on the coding strand, the complement: BARD1 is on the minus strand). VCF-style: chr2-214781228-G-T. GRCh37 (hg19) VCF-style: chr2-215645952-G-T.
Other names: c.589C>A, p.Gln197Lys (NM_001282543.2); c.158+28184C>A (NM_001282548.2); c.215+15833C>A (NM_001282545.2); c.364+11069C>A (NM_001282549.2); c.646C>A (NM_000465.2); short protein forms Q197K, Q216K.
Identifiers: ClinVar variation 1971811 (VCV001971811.6), dbSNP rs2106111202, ClinGen allele CA350456609.